The following is an entry in ClinVar:

NM_001282225.2(ADA2):c.638C>T (p.Thr213Ile)

Gene: ADA2 (adenosine deaminase 2; minus strand). Cytogenetic location: 22q11.1.
Variant type: single nucleotide variant.
Coding change: c.638C>T on transcript NM_001282225.2 (MANE Select); coding-DNA position 638, C replaced by T.
Protein change: p.Thr213Ile; replaces threonine 213 with isoleucine.
Molecular consequence: missense variant.
Genome position (GRCh38, 1-based): chr22:17,203,678, G>A on the plus strand (C>T on the coding strand, the complement: ADA2 is on the minus strand). VCF-style: chr22-17203678-G-A. GRCh37 (hg19) VCF-style: chr22-17684568-G-A.
Other names: c.638C>T, p.Thr213Ile (NM_001282226.2); c.512C>T, p.Thr171Ile (NM_001282227.2, NM_001282228.2); c.278C>T, p.Thr93Ile (NM_001282229.2); short protein forms T93I, T171I, T213I.
Identifiers: ClinVar variation 1436669 (VCV001436669.4), dbSNP rs1446203580, ClinGen allele CA410228446.

ClinVar aggregate classification (germline): Uncertain significance. Review status: criteria provided, multiple submitters, no conflicts (2 of 4 stars). 2 submissions from 2 submitters: Uncertain significance (2). Last evaluated 2021-12-08.

Conditions:
Sneddon syndrome (SNDNS). Also called: LIVEDO RETICULARIS AND CEREBROVASCULAR ACCIDENTS; Idiopathic livedo reticularis with systemic involvement. Identifiers: Orphanet 820, MedGen C0282492, MONDO:0008436, OMIM 182410.
Deficiency of adenosine deaminase 2. Also called: Polyarteritis nodosa, childhoood-onset; Adenosine Deaminase 2 Deficiency; VASCULITIS, AUTOINFLAMMATION, IMMUNODEFICIENCY, AND HEMATOLOGIC DEFECTS SYNDROME. Identifiers: Orphanet 404553, MedGen C3887654, MONDO:0014306, OMIM 615688, MONDO:0100317.

Allele frequency attached by ClinVar (database versions not stated): gnomAD 0.00002; TOPMed 0.00002; gnomAD exomes 0.00004.
gnomAD v4.1: 67 of 1,613,864 alleles (0.0042%); highest among the groups gnomAD compares: Non-Finnish European, 0.0056%; no homozygotes.

Submissions (2):

Fulgent Genetics
Classification: Uncertain significance for Sneddon syndrome; Deficiency of adenosine deaminase 2. Last evaluated: 2021-12-08. Review status: criteria provided, single submitter. Criteria: ACMG Guidelines, 2015. Collection method: clinical testing. Allele origin: unknown.

Labcorp Genetics (formerly Invitae), Labcorp
Classification: Uncertain significance for Deficiency of adenosine deaminase 2. Last evaluated: 2021-08-19. Review status: criteria provided, single submitter. Criteria: Invitae Variant Classification Sherloc (09022015). Collection method: clinical testing. Allele origin: germline.
Comment: This sequence change replaces threonine with isoleucine at codon 213 of the ADA2 protein (p.Thr213Ile). The threonine residue is moderately conserved and there is a moderate physicochemical difference between threonine and isoleucine. This variant is not present in population databases (ExAC no frequency). This variant has not been reported in the literature in individuals affected with ADA2-related conditions. Algorithms developed to predict the effect of missense changes on protein structure and function (SIFT, PolyPhen-2, Align-GVGD) all suggest that this variant is likely to be tolerated. In summary, the available evidence is currently insufficient to determine the role of this variant in disease. Therefore, it has been classified as a Variant of Uncertain Significance.